The following is an entry in ClinVar:

ClinVar aggregate classification (germline): Benign/Likely benign. Review status: criteria provided, multiple submitters, no conflicts (2 of 4 stars). 4 submissions from 4 submitters: Benign (3); Likely benign (1). Last evaluated 2024-11-26.

Conditions:
Hemochromatosis type 4 (HFE4). Also called: Ferroportin disease; HEMOCHROMATOSIS DUE TO DEFECT IN FERROPORTIN; HEMOCHROMATOSIS, AUTOSOMAL DOMINANT. Identifiers: Orphanet 139491, Orphanet 647834, Orphanet 648562, MedGen C1853733, MONDO:0011631, OMIM 606069.

Allele frequency attached by ClinVar (database versions not stated): 1000 Genomes Project 30x 0.09213; 1000 Genomes Project 0.09505; TOPMed 0.13978; gnomAD 0.15713 and 0.15769; ESP Exome Variant Server 0.16000; gnomAD exomes 0.16797 and 0.20736; ExAC 0.17359.
gnomAD v4.1: 325,246 of 1,613,064 alleles (20%); highest among the groups gnomAD compares: Non-Finnish European, 23%; 35,740 homozygotes.

Submissions (4):

Blueprint Genetics
Classification: Likely benign. Last evaluated: 2024-11-26. Review status: criteria provided, single submitter. Criteria: ACMG Guidelines, 2015. Collection method: clinical testing. Allele origin: germline.

Illumina Laboratory Services, Illumina
Classification: Benign for Hemochromatosis type 4. Last evaluated: 2018-01-12. Review status: criteria provided, single submitter. Criteria: ICSL Variant Classification Criteria 13 December 2019. Collection method: clinical testing. Allele origin: germline.
Comment: This variant was observed in the ICSL laboratory as part of a predisposition screen in an ostensibly healthy population. It had not been previously curated by ICSL or reported in the Human Gene Mutation Database (HGMD: prior to June 1st, 2018), and was therefore a candidate for classification through an automated scoring system. Utilizing variant allele frequency, disease prevalence and penetrance estimates, and inheritance mode, an automated score was calculated to assess if this variant is too frequent to cause the disease. Based on the score and internal cut-off values, a variant classified as benign is not then subjected to further curation. The score for this variant resulted in a classification of benign for this disease.

Breakthrough Genomics
Classification: Benign. Review status: criteria provided, single submitter. Criteria: ACMG Guidelines, 2015. Collection method: not provided. Allele origin: germline. Inheritance: Autosomal dominant inheritance. Affected: yes.

PreventionGenetics, part of Exact Sciences
Classification: Benign. Review status: criteria provided, single submitter. Criteria: ACMG Guidelines, 2015. Collection method: clinical testing. Allele origin: germline.

NM_014585.6(SLC40A1):c.-8C>G

Gene: SLC40A1 (solute carrier family 40 member 1; minus strand). Cytogenetic location: 2q32.2.
Variant type: single nucleotide variant.
Coding change: c.-8C>G on transcript NM_014585.6 (MANE Select); 8 bases upstream of the start codon, C replaced by G.
Molecular consequence: 5 prime UTR variant.
Genome position (GRCh38, 1-based): chr2:189,580,468, G>C on the plus strand (C>G on the coding strand, the complement: SLC40A1 is on the minus strand). VCF-style: chr2-189580468-G-C. GRCh37 (hg19) VCF-style: chr2-190445194-G-C.
Identifiers: ClinVar variation 260420 (VCV000260420.8), dbSNP rs11568351, ClinGen allele CA2024346.